The following is an entry in ClinVar:

ClinVar aggregate classification (germline): Likely benign (0 of 4 stars; one submission).

Conditions:
TCF12-related disorder. Also called: TCF12-related condition.

Allele frequency attached by ClinVar (database versions not stated): gnomAD 0.00002.
gnomAD v4.1: 36 of 1,304,232 alleles (0.0028%); highest among the groups gnomAD compares: Admixed American, 0.012%; no homozygotes.

Submission:

PreventionGenetics, part of Exact Sciences
Classification: Likely benign for TCF12-related condition. Last evaluated: 2023-04-26. Review status: no assertion criteria provided. Collection method: clinical testing. Allele origin: germline.
Comment: This variant is classified as likely benign based on ACMG/AMP sequence variant interpretation guidelines (Richards et al. 2015 PMID: 25741868, with internal and published modifications).

NM_207037.2(TCF12):c.222+8840C>G

Gene: TCF12 (transcription factor 12; plus strand). Cytogenetic location: 15q21.3.
Variant type: single nucleotide variant.
Coding change: c.222+8840C>G on transcript NM_207037.2 (MANE Select); 8840 bases into the intron after coding-DNA position 222, C replaced by G.
Molecular consequence: intron variant. On other transcripts: 5 prime UTR variant (2).
Genome position (GRCh38, 1-based): chr15:57,072,663, C>G. VCF-style: chr15-57072663-C-G. GRCh37 (hg19) VCF-style: chr15-57364861-C-G.
Other names: c.-4C>G (NM_001322156.2, NM_001322158.2); c.222+8840C>G (NM_001322151.2, NM_001322159.3, NM_001322157.3 and 7 more transcripts); c.-431+8840C>G (NM_001322154.2); c.258+8840C>G (NM_001322164.2).
Identifiers: ClinVar variation 3031980 (VCV003031980.2), dbSNP rs753886465, ClinGen allele CA271303956.